The following is an entry in ClinVar:

NM_001199107.2(TBC1D24):c.67G>C (p.Gly23Arg)

Gene: TBC1D24 (TBC1 domain family member 24; plus strand). Cytogenetic location: 16p13.3.
Variant type: single nucleotide variant.
Coding change: c.67G>C on transcript NM_001199107.2 (MANE Select); coding-DNA position 67, G replaced by C.
Protein change: p.Gly23Arg; replaces glycine 23 with arginine.
Molecular consequence: missense variant.
Genome position (GRCh38, 1-based): chr16:2,496,215, G>C. VCF-style: chr16-2496215-G-C. GRCh37 (hg19) VCF-style: chr16-2546216-G-C.
Other names: c.67G>C, p.Gly23Arg (NM_020705.3); short protein forms G23R.
Identifiers: ClinVar variation 1386611 (VCV001386611.8), dbSNP rs2141870701, ClinGen allele CA394374371.
Genomic context (GRCh38, chr16:2,496,215, plus strand): 5'-TCTCCAGGATACAACTGCTTCGTGGACAAAGACAAGATGGACGCTGCCATCCAGGACCTG[G>C]GGCCCAAGGAGCTGAGCTGCACTGAACTGCAGGAACTGAAGCAGCTGGCGCGCCAGGGCT-3'
Protein context (NP_001186036.1, residues 13-33): DKMDAAIQDL[Gly23Arg]PKELSCTELQ

ClinVar aggregate classification (germline): Uncertain significance. Review status: criteria provided, multiple submitters, no conflicts (2 of 4 stars). 2 submissions from 2 submitters: Uncertain significance (2). Last evaluated 2021-12-20.

Conditions:
Developmental and epileptic encephalopathy, 1 (DEE1). Also called: X-linked infantile spasms; West's syndrome; Tonic spasms with clustering, arrest of psychomotor development and hypsarrhythmia on EEG; X-Linked Infantile Spasm Syndrome; OHTAHARA SYNDROME, X-LINKED; INFANTILE SPASM SYNDROME, X-LINKED 1. Identifiers: MedGen C3463992, MONDO:0010632, OMIM 308350. Disease mechanism: loss of function.
Autosomal dominant nonsyndromic hearing loss 65. Also called: TBC1D24-Related Autosomal Dominant Nonsyndromic Hearing Loss (DFNA); Deafness, autosomal dominant 65. Identifiers: Orphanet 90635, MedGen C3892048, MONDO:0014470, OMIM 616044.

Submissions (2):

Revvity Omics, Revvity
Classification: Uncertain significance. Last evaluated: 2021-12-20. Review status: criteria provided, single submitter. Criteria: ACMG Guidelines, 2015. Collection method: clinical testing. Allele origin: germline.

Labcorp Genetics (formerly Invitae), Labcorp
Classification: Uncertain significance for Developmental and epileptic encephalopathy, 1; Autosomal dominant nonsyndromic hearing loss 65. Last evaluated: 2021-11-27. Review status: criteria provided, single submitter. Criteria: Invitae Variant Classification Sherloc (09022015). Collection method: clinical testing. Allele origin: germline.
Comment: In summary, the available evidence is currently insufficient to determine the role of this variant in disease. Therefore, it has been classified as a Variant of Uncertain Significance. Advanced modeling of protein sequence and biophysical properties (such as structural, functional, and spatial information, amino acid conservation, physicochemical variation, residue mobility, and thermodynamic stability) performed at Invitae indicates that this missense variant is not expected to disrupt TBC1D24 protein function. This variant has not been reported in the literature in individuals affected with TBC1D24-related conditions. This variant is not present in population databases (gnomAD no frequency). This sequence change replaces glycine, which is neutral and non-polar, with arginine, which is basic and polar, at codon 23 of the TBC1D24 protein (p.Gly23Arg).